The following is an entry in ClinVar:

ClinVar aggregate classification (germline): Uncertain significance (1 of 4 stars; one submission).

Submission:

GeneDx
Classification: Uncertain significance. Last evaluated: 2024-08-20. Review status: criteria provided, single submitter. Criteria: GeneDx Variant Classification Process June 2021. Collection method: clinical testing. Allele origin: germline. Affected: yes.
Comment: Not observed at significant frequency in large population cohorts (gnomAD); In silico analysis indicates that this missense variant does not alter protein structure/function; Has not been previously published as pathogenic or benign to our knowledge

NM_014712.3(SETD1A):c.3181T>C (p.Ser1061Pro)

Gene: SETD1A (SET domain containing 1A, histone lysine methyltransferase; plus strand). Cytogenetic location: 16p11.2.
Variant type: single nucleotide variant.
Coding change: c.3181T>C on transcript NM_014712.3 (MANE Select); coding-DNA position 3181, T replaced by C.
Protein change: p.Ser1061Pro; replaces serine 1061 with proline.
Molecular consequence: missense variant.
Genome position (GRCh38, 1-based): chr16:30,971,542, T>C. VCF-style: chr16-30971542-T-C. GRCh37 (hg19) VCF-style: chr16-30982863-T-C.
Other names: short protein forms S1061P.
Identifiers: ClinVar variation 3764399 (VCV003764399.1).